The following is an entry in ClinVar:

NM_000535.7(PMS2):c.1279C>T (p.Arg427Cys)

Gene: PMS2 (PMS1 homolog 2, mismatch repair system component; minus strand). Cytogenetic location: 7p22.1.
Variant type: single nucleotide variant.
Coding change: c.1279C>T on transcript NM_000535.7 (MANE Select); coding-DNA position 1279, C replaced by T.
Protein change: p.Arg427Cys; replaces arginine 427 with cysteine.
Molecular consequence: missense variant. On other transcripts: non-coding transcript variant (1).
Genome position (GRCh38, 1-based): chr7:5,987,486, G>A on the plus strand (C>T on the coding strand, the complement: PMS2 is on the minus strand). VCF-style: chr7-5987486-G-A. GRCh37 (hg19) VCF-style: chr7-6027117-G-A.
Other names: c.874C>T, p.Arg292Cys (NM_001322003.2, NM_001322004.2, NM_001322005.2 and 1 more transcripts); c.1123C>T, p.Arg375Cys (NM_001322006.2); c.961C>T, p.Arg321Cys (NM_001322007.2, NM_001322008.2); c.718C>T, p.Arg240Cys (NM_001322010.2); c.346C>T, p.Arg116Cys (NM_001322011.2, NM_001322012.2); c.706C>T, p.Arg236Cys (NM_001322013.2); c.1279C>T, p.Arg427Cys (NM_001322014.2); c.970C>T, p.Arg324Cys (NM_001322015.2); short protein forms R427C, R292C, R324C, R236C, R375C, R116C, R240C, R321C.
Identifiers: ClinVar variation 127758 (VCV000127758.73), dbSNP rs376042544, ClinGen allele CA009466.

ClinVar aggregate classification (germline): Conflicting classifications of pathogenicity. Review status: criteria provided, conflicting classifications (1 of 4 stars). 11 submissions from 11 submitters: Uncertain significance (8); Likely benign (3). Last evaluated 2026-03-23.

Conditions:
PMS2-related disorder. Also called: PMS2-related condition.
Hereditary nonpolyposis colorectal neoplasms. Identifiers: MedGen C0009405, MeSH D003123.
Hereditary cancer-predisposing syndrome. Also called: Tumor predisposition; Hereditary neoplastic syndrome; Neoplastic Syndromes, Hereditary; Hereditary Cancer Syndrome. Identifiers: Orphanet 140162, MedGen C0027672, MeSH D009386, MONDO:0015356.
Lynch syndrome 4 (LYNCH4). Also called: Colorectal cancer, hereditary nonpolyposis, type 4; Hereditary non-polyposis colorectal cancer, type 4. Identifiers: Orphanet 144, MedGen C1838333, MONDO:0013699, OMIM 614337. Disease mechanism: loss of function.

Allele frequency attached by ClinVar (database versions not stated): gnomAD exomes 0.00001 and 0.00003; ExAC 0.00004; ESP Exome Variant Server 0.00008; gnomAD 0.00011 and 0.00012; TOPMed 0.00012.
gnomAD v4.1: 34 of 1,613,976 alleles (0.0021%); highest among the groups gnomAD compares: African/African-American, 0.037%; no homozygotes.

Submissions (11):

PreventionGenetics, part of Exact Sciences
Classification: Uncertain significance for PMS2-related condition. Last evaluated: 2026-03-23. Review status: criteria provided, single submitter. Criteria: ACMG Guidelines, 2015. Collection method: clinical testing. Allele origin: germline.
Comment: The PMS2 c.1279C>T variant is predicted to result in the amino acid substitution p.Arg427Cys. To our knowledge, this variant has not been reported in the literature. This variant is reported in 0.048% of alleles in individuals of African descent in gnomAD and has conflicting interpretations regarding its pathogenicity in ClinVar, ranging from likely benign to uncertain (Variation ID: 127758). Although we suspect this variant may be benign, at this time, the clinical significance of this variant is uncertain due to the absence of conclusive functional and genetic evidence.

Labcorp Genetics (formerly Invitae), Labcorp
Classification: Likely benign for Hereditary nonpolyposis colorectal neoplasms. Last evaluated: 2026-01-14. Review status: criteria provided, single submitter. Criteria: Invitae Variant Classification Sherloc (09022015). Collection method: clinical testing. Allele origin: germline.

Center for Genomic Medicine, Rigshospitalet, Copenhagen University Hospital
Classification: Likely benign. Last evaluated: 2025-12-29. Review status: criteria provided, single submitter. Criteria: ACMG Guidelines, 2015. Collection method: clinical testing. Allele origin: germline.
Comment: Classification criteria: BP4, BS1

Quest Diagnostics Nichols Institute San Juan Capistrano
Classification: Uncertain significance. Last evaluated: 2025-09-29. Review status: criteria provided, single submitter. Criteria: Quest Diagnostics criteria. Collection method: clinical testing. Allele origin: unknown.
Comment: The PMS2 c.1279C>T (p.Arg427Cys) variant has been reported in the published literature in the somatic state in an unspecified pediatric solid tumor (PMID: 35739269 (2022)), endometrial tumor (PMID: 35002543 (2021)), and a metastatic liver tumor (PMID: 25808843 (2015)). The frequency of this variant in the general population (Genome Aggregation Database) is higher than would generally be expected for pathogenic variants in this gene. Analysis of this variant using bioinformatics tools for the prediction of the effect of amino acid changes on protein structure and function yielded predictions that this variant is benign. Based on the available information, we are unable to determine the clinical significance of this variant.

Institute for Biomarker Research, Medical Diagnostic Laboratories, L.L.C.
Classification: Uncertain significance for Hereditary cancer-predisposing syndrome. Last evaluated: 2025-04-10. Review status: criteria provided, single submitter. Criteria: ACMG Guidelines, 2015. Collection method: clinical testing. Allele origin: germline.
Comment: The missense variant NM_001322014.2(PMS2):c.1279C>T (p.Arg427Cys) has not been reported previously as a pathogenic variant, to our knowledge. There is a large physicochemical difference between arginine and cysteine, which is likely to impact secondary protein structure as these residues differ in polarity, charge, size and/or other properties. The p.Arg427Cys missense variant is predicted to be damaging by both SIFT and PolyPhen2. The nucleotide c.1279 in PMS2 is predicted conserved by GERP++ and PhyloP across 100 vertebrates. For these reasons, this variant has been classified as Uncertain Significance

Ambry Genetics
Classification: Uncertain significance for Hereditary cancer-predisposing syndrome. Last evaluated: 2024-08-15. Review status: criteria provided, single submitter. Criteria: Ambry Variant Classification Scheme 2023. Collection method: clinical testing. Allele origin: germline.
Comment: The p.R427C variant (also known as c.1279C>T), located in coding exon 11 of the PMS2 gene, results from a C to T substitution at nucleotide position 1279. The arginine at codon 427 is replaced by cysteine, an amino acid with highly dissimilar properties. This amino acid position is poorly conserved in available vertebrate species. In addition, this alteration is predicted to be tolerated by in silico analysis. Based on the available evidence, the clinical significance of this variant remains unclear.

GeneDx
Classification: Uncertain significance. Last evaluated: 2024-05-14. Review status: criteria provided, single submitter. Criteria: GeneDx Variant Classification Process June 2021. Collection method: clinical testing. Allele origin: germline. Affected: yes.
Comment: In silico analysis supports that this missense variant has a deleterious effect on protein structure/function; Has not been previously published as pathogenic or benign to our knowledge; This variant is associated with the following publications: (PMID: 25808843, 35002543)

Baylor Genetics
Classification: Uncertain significance for Lynch syndrome 4. Last evaluated: 2024-03-28. Review status: criteria provided, single submitter. Criteria: ACMG Guidelines, 2015. Collection method: clinical testing. Allele origin: unknown.

Department of Pathology and Laboratory Medicine, Sinai Health System
Classification: Uncertain significance for Lynch syndrome 4. Last evaluated: 2021-08-06. Review status: criteria provided, single submitter. Criteria: ACMG Guidelines, 2015. Collection method: clinical testing. Allele origin: germline. Affected: yes.

Color Diagnostics, LLC DBA Color Health
Classification: Likely benign for Hereditary cancer-predisposing syndrome. Last evaluated: 2020-10-22. Review status: criteria provided, single submitter. Criteria: ACMG Guidelines, 2015. Collection method: clinical testing. Allele origin: germline.

CeGaT Center for Human Genetics Tuebingen
Classification: Uncertain significance. Last evaluated: 2020-05-01. Review status: criteria provided, single submitter. Criteria: CeGaT Center For Human Genetics Tuebingen Variant Classification Criteria Version 2. Collection method: clinical testing. Allele origin: germline. Affected: yes. Observed: 1 variant allele.

Literature cited by the submitters: PubMed 35002543 (cited by Quest Diagnostics Nichols Institute San Juan Capistrano); PubMed 32832836 (cited by Quest Diagnostics Nichols Institute San Juan Capistrano); PubMed 35739269 (cited by Quest Diagnostics Nichols Institute San Juan Capistrano); PubMed 25808843 (cited by Quest Diagnostics Nichols Institute San Juan Capistrano).